The following is an entry in ClinVar:

NM_000498.3(CYP11B2):c.1190T>A (p.Ile397Asn)

Genes: CYP11B2 (cytochrome P450 family 11 subfamily B member 2; minus strand), LOC106799834 (CYP11B2 recombination region; plus strand). Cytogenetic location: 8q24.3.
Variant type: single nucleotide variant.
Coding change: c.1190T>A on transcript NM_000498.3 (MANE Select); coding-DNA position 1190, T replaced by A.
Protein change: p.Ile397Asn; replaces isoleucine 397 with asparagine.
Molecular consequence: missense variant.
Genome position (GRCh38, 1-based): chr8:142,912,817, A>T on the plus strand (T>A on the coding strand, the complement: CYP11B2 is on the minus strand). VCF-style: chr8-142912817-A-T. GRCh37 (hg19) VCF-style: chr8-143994233-A-T.
Other names: short protein forms I397N.
Identifiers: ClinVar variation 2674693 (VCV002674693.1), dbSNP rs772456092, ClinGen allele CA4905904.
Genomic context (GRCh38, chr8:142,912,817, plus strand): 5'-AATGACTGGGGAGGGAGGTTCTCAGCTCGAGGGGTGTGGGGCTCACTCACCCCAGCTGGG[A>T]TGTGGTAGTTCTGAAGCACCAAGTCTGAGCTCACCACTCGCTCCAAAAACAGACCCACAG-3'
Protein context (NP_000489.3, residues 387-407): SSDLVLQNYH[Ile397Asn]PAGTLVQVFL

ClinVar aggregate classification (germline): Likely pathogenic (1 of 4 stars; one submission).

Conditions:
CYP11B2-related disorder.

Submission:

Clinical Biochemistry Laboratory, Health Services Laboratory
Classification: Likely pathogenic for CYP11B2-related disorder. Last evaluated: 2023-11-20. Review status: criteria provided, single submitter. Criteria: ACMG Guidelines, 2015. Collection method: clinical testing. Allele origin: germline. Affected: yes.
Comment: ACMG:PM2 PM3 PP3 PP4